The following is an entry in ClinVar:

NM_001197104.2(KMT2A):c.8055C>G (p.Tyr2685Ter)

Gene: KMT2A (lysine methyltransferase 2A; plus strand). Cytogenetic location: 11q23.3.
Variant type: single nucleotide variant.
Coding change: c.8055C>G on transcript NM_001197104.2 (MANE Select); coding-DNA position 8055, C replaced by G.
Protein change: p.Tyr2685Ter; replaces tyrosine 2685 with a stop codon.
Molecular consequence: nonsense.
Genome position (GRCh38, 1-based): chr11:118,503,947, C>G. VCF-style: chr11-118503947-C-G. GRCh37 (hg19) VCF-style: chr11-118374662-C-G.
Other names: c.8145C>G, p.Tyr2715Ter (NM_001412597.1); c.8046C>G, p.Tyr2682Ter (NM_005933.4); short protein forms Y2685*, Y2715*, Y2682*.
Identifiers: ClinVar variation 2015831 (VCV002015831.4), dbSNP rs537245615, ClinGen allele CA382808472.

ClinVar aggregate classification (germline): Pathogenic (1 of 4 stars; one submission).

Submission:

Labcorp Genetics (formerly Invitae), Labcorp
Classification: Pathogenic. Last evaluated: 2022-07-10. Review status: criteria provided, single submitter. Criteria: Invitae Variant Classification Sherloc (09022015). Collection method: clinical testing. Allele origin: germline.
Comment: This sequence change creates a premature translational stop signal (p.Tyr2685*) in the KMT2A gene. It is expected to result in an absent or disrupted protein product. Loss-of-function variants in KMT2A are known to be pathogenic (PMID: 22795537, 25574841, 25810209, 28120103, 29574747, 31157197, 31337854). This variant is not present in population databases (gnomAD no frequency). This variant has not been reported in the literature in individuals affected with KMT2A-related conditions. For these reasons, this variant has been classified as Pathogenic.

Literature cited by the submitters: PubMed 22795537; PubMed 25574841; PubMed 25810209; PubMed 28120103; PubMed 29574747; PubMed 31157197; PubMed 31337854.